The following is an entry in ClinVar:

NM_003321.5(TUFM):c.684+6C>T

Gene: TUFM (Tu translation elongation factor, mitochondrial; minus strand). Cytogenetic location: 16p11.2.
Variant type: single nucleotide variant.
Coding change: c.684+6C>T on transcript NM_003321.5 (MANE Select); 6 bases into the intron after coding-DNA position 684, C replaced by T.
Molecular consequence: intron variant.
Genome position (GRCh38, 1-based): chr16:28,844,692, G>A on the plus strand (C>T on the coding strand, the complement: TUFM is on the minus strand). VCF-style: chr16-28844692-G-A. GRCh37 (hg19) VCF-style: chr16-28856013-G-A.
Other names: p.?; c.684+6C>T (NM_001365360.2).
Identifiers: ClinVar variation 137860 (VCV000137860.48), dbSNP rs188421321, ClinGen allele CA291540.

ClinVar aggregate classification (germline): Benign/Likely benign. Review status: criteria provided, multiple submitters, no conflicts (2 of 4 stars). 7 submissions from 7 submitters: Benign (1); Likely benign (6). Last evaluated 2026-09-01.

Conditions:
Combined oxidative phosphorylation defect type 4. Identifiers: Orphanet 254925, MedGen C1857682, MONDO:0012534, OMIM 610678.

Allele frequency attached by ClinVar (database versions not stated): 1000 Genomes Project 0.00180; 1000 Genomes Project 30x 0.00187; TOPMed 0.00288; ESP Exome Variant Server 0.00331; gnomAD exomes 0.00362 and 0.00399; gnomAD 0.00405 and 0.00419; ExAC 0.00413.

Submissions (7):

CeGaT Center for Human Genetics Tuebingen
Classification: Likely benign. Last evaluated: 2026-09-01. Review status: criteria provided, single submitter. Criteria: CeGaT Center For Human Genetics Tuebingen Variant Classification Criteria Version 2. Collection method: clinical testing. Allele origin: germline. Affected: yes. Observed: 32 variant alleles.
Comment: TUFM: BP4, BS2

Labcorp Genetics (formerly Invitae), Labcorp
Classification: Likely benign. Last evaluated: 2026-01-26. Review status: criteria provided, single submitter. Criteria: Invitae Variant Classification Sherloc (09022015). Collection method: clinical testing. Allele origin: germline.

Mayo Clinic Laboratories, Mayo Clinic
Classification: Likely benign. Last evaluated: 2025-08-12. Review status: criteria provided, single submitter. Criteria: ACMG Guidelines, 2015. Collection method: clinical testing. Allele origin: germline. Observed: 4 variant alleles.
Comment: BS1, BS2

Fulgent Genetics
Classification: Likely benign for Combined oxidative phosphorylation defect type 4. Last evaluated: 2021-08-16. Review status: criteria provided, single submitter. Criteria: ACMG Guidelines, 2015. Collection method: clinical testing. Allele origin: unknown.

Illumina Laboratory Services, Illumina
Classification: Likely benign for Combined oxidative phosphorylation defect type 4. Last evaluated: 2018-01-13. Review status: criteria provided, single submitter. Criteria: ICSL Variant Classification Criteria 13 December 2019. Collection method: clinical testing. Allele origin: germline.
Comment: This variant was observed in the ICSL laboratory as part of a predisposition screen in an ostensibly healthy population. It had not been previously curated by ICSL or reported in the Human Gene Mutation Database (HGMD: prior to June 1st, 2018), and was therefore a candidate for classification through an automated scoring system. Utilizing variant allele frequency, disease prevalence and penetrance estimates, and inheritance mode, an automated score was calculated to assess if this variant is too frequent to cause the disease. Based on the score and internal cut-off values, a variant classified as likely benign is not then subjected to further curation. The score for this variant resulted in a classification of likely benign for this disease.

GeneDx
Classification: Benign. Last evaluated: 2014-03-03. Review status: criteria provided, single submitter. Criteria: GeneDx Variant Classification (06012015). Collection method: clinical testing. Allele origin: germline. Affected: yes.
Comment: This variant is considered likely benign or benign based on one or more of the following criteria: it is a conservative change, it occurs at a poorly conserved position in the protein, it is predicted to be benign by multiple in silico algorithms, and/or has population frequency not consistent with disease.

Breakthrough Genomics
Classification: Likely benign. Review status: criteria provided, single submitter. Criteria: ACMG Guidelines, 2015. Collection method: not provided. Allele origin: germline. Inheritance: Autosomal recessive inheritance. Affected: yes.

Literature cited by the submitters: PubMed 37433570 (cited by Mayo Clinic Laboratories, Mayo Clinic).